The following is an entry in ClinVar:

NM_012310.5(KIF4A):c.2887C>G (p.Leu963Val)

Gene: KIF4A (kinesin family member 4A; plus strand). Cytogenetic location: Xq13.1.
Variant type: single nucleotide variant.
Coding change: c.2887C>G on transcript NM_012310.5 (MANE Select); coding-DNA position 2887, C replaced by G.
Protein change: p.Leu963Val; replaces leucine 963 with valine.
Molecular consequence: missense variant.
Genome position (GRCh38, 1-based): chrX:70,404,811, C>G. VCF-style: chrX-70404811-C-G. GRCh37 (hg19) VCF-style: chrX-69624661-C-G.
Other names: c.2887C>G (NM_012310.4); short protein forms L963V.
Identifiers: ClinVar variation 3251455 (VCV003251455.2), dbSNP rs1276840801.

ClinVar aggregate classification (germline): Uncertain significance. Review status: criteria provided, multiple submitters, no conflicts (2 of 4 stars). 2 submissions from 2 submitters: Uncertain significance (2). Last evaluated 2025-09-28.

Allele frequency attached by ClinVar (database versions not stated): gnomAD 0.00001; TOPMed 0.00002.
gnomAD v4.1: 1 of 1,182,400 alleles (0.000085%); highest among the groups gnomAD compares: African/African-American, 0.0018%; no homozygotes.

Submissions (2):

Ambry Genetics
Classification: Uncertain significance. Last evaluated: 2025-09-28. Review status: criteria provided, single submitter. Criteria: Ambry Variant Classification Scheme 2023. Collection method: clinical testing. Allele origin: germline.

Women's Health and Genetics/Laboratory Corporation of America, LabCorp
Classification: Uncertain significance. Last evaluated: 2024-04-08. Review status: criteria provided, single submitter. Criteria: LabCorp Variant Classification Summary - May 2015. Collection method: clinical testing. Allele origin: germline.
Comment: Variant summary: KIF4A c.2887C>G (p.Leu963Val) results in a conservative amino acid change in the encoded protein sequence. Three of five in-silico tools predict a benign effect of the variant on protein function. The frequency data for this variant in gnomAD is considered unreliable, as metrics indicate poor data quality at this position. To our knowledge, no occurrence of c.2887C>G in individuals affected with Intellectual Disability, X-Linked 100 and no experimental evidence demonstrating its impact on protein function have been reported. No submitters have cited clinical-significance assessments for this variant to ClinVar. Based on the evidence outlined above, the variant was classified as uncertain significance.